The following is an entry in ClinVar:

ClinVar aggregate classification (germline): Uncertain significance (1 of 4 stars; one submission).

gnomAD v4.1: 117 of 1,613,754 alleles (0.0073%); highest among the groups gnomAD compares: East Asian, 0.22%; 1 homozygote.

Submission:

Labcorp Genetics (formerly Invitae), Labcorp
Classification: Uncertain significance. Last evaluated: 2025-06-25. Review status: criteria provided, single submitter. Criteria: Invitae Variant Classification Sherloc (09022015). Collection method: clinical testing. Allele origin: germline.
Comment: This sequence change replaces arginine, which is basic and polar, with glutamine, which is neutral and polar, at codon 146 of the MAP3K8 protein (p.Arg146Gln). This variant is present in population databases (rs143041571, gnomAD 0.02%). This variant has not been reported in the literature in individuals affected with MAP3K8-related conditions. ClinVar contains an entry for this variant (Variation ID: 3632201). An algorithm developed to predict the effect of missense changes on protein structure and function (PolyPhen-2) suggests that this variant is likely to be disruptive. Algorithms developed to predict the effect of sequence changes on RNA splicing suggest that this variant may create or strengthen a splice site. In summary, the available evidence is currently insufficient to determine the role of this variant in disease. Therefore, it has been classified as a Variant of Uncertain Significance.

NM_005204.4(MAP3K8):c.437G>A (p.Arg146Gln)

Gene: MAP3K8 (mitogen-activated protein kinase kinase kinase 8; plus strand). Cytogenetic location: 10p11.23.
Variant type: single nucleotide variant.
Coding change: c.437G>A on transcript NM_005204.4 (MANE Select); coding-DNA position 437, G replaced by A.
Protein change: p.Arg146Gln; replaces arginine 146 with glutamine.
Molecular consequence: missense variant.
Genome position (GRCh38, 1-based): chr10:30,447,882, G>A. VCF-style: chr10-30447882-G-A. GRCh37 (hg19) VCF-style: chr10-30736811-G-A.
Other names: c.437G>A, p.Arg146Gln (NM_001244134.1, NM_001320961.2); short protein forms R146Q.
Identifiers: ClinVar variation 3632201 (VCV003632201.2).